The following is an entry in ClinVar:

NM_001379270.1(CNGA1):c.1407A>G (p.Thr469=)

Genes: CNGA1 (cyclic nucleotide gated channel subunit alpha 1; minus strand), LOC101927157 (uncharacterized LOC101927157; plus strand). Cytogenetic location: 4p12.
Variant type: single nucleotide variant.
Coding change: c.1407A>G on transcript NM_001379270.1 (MANE Select); coding-DNA position 1407, A replaced by G.
Protein change: p.Thr469=; no amino-acid change (threonine 469 retained).
Molecular consequence: synonymous variant.
Genome position (GRCh38, 1-based): chr4:47,937,075, T>C on the plus strand (A>G on the coding strand, the complement: CNGA1 is on the minus strand). VCF-style: chr4-47937075-T-C. GRCh37 (hg19) VCF-style: chr4-47939092-T-C.
Other names: c.1407A>G, p.Thr469= (NM_000087.5, NM_001142564.2).
Identifiers: ClinVar variation 348839 (VCV000348839.43), dbSNP rs201553765, ClinGen allele CA2911084.

ClinVar aggregate classification (germline): Conflicting classifications of pathogenicity. Review status: criteria provided, conflicting classifications (1 of 4 stars). 6 submissions from 6 submitters: Uncertain significance (1); Likely benign (3). 2 of the submissions do not count toward it. Last evaluated 2026-02-02.

Conditions:
Retinitis pigmentosa (RP). Identifiers: Orphanet 791, MedGen C0035334, MeSH D012174, MONDO:0019200, OMIM 268000. Inheritance: Autosomal dominant, autosomal recessive and X linked inheritance.

Allele frequency attached by ClinVar (database versions not stated): ESP Exome Variant Server 0.00033; TOPMed 0.00034; gnomAD exomes 0.00035; gnomAD 0.00040 and 0.00041; ExAC 0.00044.
gnomAD v4.1: 557 of 1,614,238 alleles (0.035%); highest among the groups gnomAD compares: Non-Finnish European, 0.045%; 3 homozygotes.

Submissions (6):

Labcorp Genetics (formerly Invitae), Labcorp
Classification: Likely benign. Last evaluated: 2026-02-02. Review status: criteria provided, single submitter. Criteria: Invitae Variant Classification Sherloc (09022015). Collection method: clinical testing. Allele origin: germline.

Blueprint Genetics
Classification: Likely benign. Last evaluated: 2024-11-05. Review status: criteria provided, single submitter. Criteria: ACMG Guidelines, 2015. Collection method: clinical testing. Allele origin: germline.

CeGaT Center for Human Genetics Tuebingen
Classification: Likely benign. Last evaluated: 2024-01-01. Review status: criteria provided, single submitter. Criteria: CeGaT Center For Human Genetics Tuebingen Variant Classification Criteria Version 2. Collection method: clinical testing. Allele origin: germline. Affected: yes. Observed: 5 variant alleles.
Comment: CNGA1: BP4, BP7

Illumina Laboratory Services, Illumina
Classification: Uncertain significance for Retinitis pigmentosa. Last evaluated: 2018-01-13. Review status: criteria provided, single submitter. Criteria: ICSL Variant Classification Criteria 13 December 2019. Collection method: clinical testing. Allele origin: germline.

Clinical Genetics DNA and cytogenetics Diagnostics Lab, Erasmus MC, Erasmus Medical Center
Classification: Likely benign. Review status: no assertion criteria provided. Collection method: clinical testing. Allele origin: germline. Affected: yes. Study: VKGL Data-share Consensus. Not counted in ClinVar's aggregate classification.

Clinical Genetics, Academic Medical Center
Classification: Benign. Review status: no assertion criteria provided. Collection method: clinical testing. Allele origin: germline. Affected: yes. Study: VKGL Data-share Consensus. Not counted in ClinVar's aggregate classification.